The following is an entry in ClinVar:

ClinVar aggregate classification (germline): Pathogenic (1 of 4 stars; one submission).

Conditions:
Telangiectasia, hereditary hemorrhagic, type 2 (HHT2). Also called: Telangiectasia, hereditary hemorrhagic, type II; ACVRL1-Related Hereditary Hemorrhagic Telangiectasia. Identifiers: Orphanet 774, MedGen C1838163, MONDO:0010880, OMIM 600376. Disease mechanism: loss of function.

Submission:

Labcorp Genetics (formerly Invitae), Labcorp
Classification: Pathogenic for Telangiectasia, hereditary hemorrhagic, type 2. Last evaluated: 2020-08-22. Review status: criteria provided, single submitter. Criteria: Invitae Variant Classification Sherloc (09022015). Collection method: clinical testing. Allele origin: germline.
Comment: This sequence change replaces cysteine with glycine at codon 41 of the ACVRL1 protein (p.Cys41Gly). The cysteine residue is highly conserved and there is a large physicochemical difference between cysteine and glycine. This variant is not present in population databases (ExAC no frequency). This variant has been observed in individual(s) with hereditary hemorrhagic telangiectasia (PMID: 26176610, Invitae). Advanced modeling of protein sequence and biophysical properties (such as structural, functional, and spatial information, amino acid conservation, physicochemical variation, residue mobility, and thermodynamic stability) performed at Invitae indicates that this missense variant is expected to disrupt ACVRL1 protein function. This variant disrupts the p.Cys41 amino acid residue in ACVRL1. Other variant(s) that disrupt this residue have been determined to be pathogenic (PMID: 26176610). This suggests that this residue is clinically significant, and that variants that disrupt this residue are likely to be disease-causing. For these reasons, this variant has been classified as Pathogenic. This variant has been reported to affect ACVRL1 protein function (PMID: 26176610).

Literature cited by the submitters: PubMed 26176610.

NM_000020.3(ACVRL1):c.121T>G (p.Cys41Gly)

Gene: ACVRL1 (activin A receptor like type 1; plus strand). Cytogenetic location: 12q13.13.
Variant type: single nucleotide variant.
Coding change: c.121T>G on transcript NM_000020.3 (MANE Select); coding-DNA position 121, T replaced by G.
Protein change: p.Cys41Gly; replaces cysteine 41 with glycine.
Molecular consequence: missense variant.
Genome position (GRCh38, 1-based): chr12:51,913,158, T>G. VCF-style: chr12-51913158-T-G. GRCh37 (hg19) VCF-style: chr12-52306942-T-G.
Other names: c.121T>G, p.Cys41Gly (NM_001077401.2); short protein forms C41G.
Identifiers: ClinVar variation 1070651 (VCV001070651.9), dbSNP rs2139064528, ClinGen allele CA384897602.